The following is an entry in ClinVar:

NM_015386.3(COG4):c.1875G>T (p.Gln625His)

Gene: COG4 (component of oligomeric golgi complex 4; minus strand). Cytogenetic location: 16q22.1.
Variant type: single nucleotide variant.
Coding change: c.1875G>T on transcript NM_015386.3 (MANE Select); coding-DNA position 1875, G replaced by T.
Protein change: p.Gln625His; replaces glutamine 625 with histidine.
Molecular consequence: missense variant. On other transcripts: non-coding transcript variant (1).
Genome position (GRCh38, 1-based): chr16:70,482,774, C>A on the plus strand (G>T on the coding strand, the complement: COG4 is on the minus strand). VCF-style: chr16-70482774-C-A. GRCh37 (hg19) VCF-style: chr16-70516677-C-A.
Other names: c.1800G>T, p.Gln600His (NM_001195139.2); c.1449G>T, p.Gln483His (NM_001365426.1); short protein forms Q625H, Q483H, Q600H.
Identifiers: ClinVar variation 1492203 (VCV001492203.8), dbSNP rs765074288, ClinGen allele CA8144152.

ClinVar aggregate classification (germline): Uncertain significance (1 of 4 stars; one submission).

Conditions:
COG4-congenital disorder of glycosylation. Also called: CONGENITAL DISORDER OF GLYCOSYLATION, TYPE IIj; CDG IIj; COG4-CDG. Identifiers: Orphanet 263501, MedGen C4303552, MONDO:0013281, OMIM 613489.

Allele frequency attached by ClinVar (database versions not stated): ExAC 0.00001; gnomAD 0.00001; gnomAD exomes 0.00001; TOPMed 0.00002.
gnomAD v4.1: 8 of 1,613,788 alleles (0.0005%); highest among the groups gnomAD compares: Non-Finnish European, 0.00068%; no homozygotes.

Submission:

Labcorp Genetics (formerly Invitae), Labcorp
Classification: Uncertain significance for COG4-congenital disorder of glycosylation. Last evaluated: 2021-03-14. Review status: criteria provided, single submitter. Criteria: Invitae Variant Classification Sherloc (09022015). Collection method: clinical testing. Allele origin: germline.
Comment: This variant is present in population databases (rs765074288, ExAC 0.009%). In summary, the available evidence is currently insufficient to determine the role of this variant in disease. Therefore, it has been classified as a Variant of Uncertain Significance. Algorithms developed to predict the effect of missense changes on protein structure and function are either unavailable or do not agree on the potential impact of this missense change (SIFT: "Deleterious"; PolyPhen-2: "Benign"; Align-GVGD: "Class C0"). This variant has not been reported in the literature in individuals with COG4-related conditions. This sequence change replaces glutamine with histidine at codon 625 of the COG4 protein (p.Gln625His). The glutamine residue is weakly conserved and there is a small physicochemical difference between glutamine and histidine.